The following is an entry in ClinVar:

ClinVar aggregate classification (germline): Conflicting classifications of pathogenicity. Review status: criteria provided, conflicting classifications (1 of 4 stars). 3 submissions from 3 submitters: Uncertain significance (2); Benign (1). Last evaluated 2025-12-10.

Conditions:
Inborn genetic diseases. Identifiers: MedGen C0950123, MeSH D030342.

Allele frequency attached by ClinVar (database versions not stated): TOPMed 0.00020; gnomAD 0.00023 and 0.00024; ExAC 0.00030; gnomAD exomes 0.00034; ESP Exome Variant Server 0.00049.
gnomAD v4.1: 276 of 1,611,574 alleles (0.017%); highest among the groups gnomAD compares: Non-Finnish European, 0.0029%; no homozygotes.

Submissions (3):

Labcorp Genetics (formerly Invitae), Labcorp
Classification: Benign. Last evaluated: 2025-12-10. Review status: criteria provided, single submitter. Criteria: Invitae Variant Classification Sherloc (09022015). Collection method: clinical testing. Allele origin: germline.

GeneDx
Classification: Uncertain significance. Last evaluated: 2024-03-06. Review status: criteria provided, single submitter. Criteria: GeneDx Variant Classification Process June 2021. Collection method: clinical testing. Allele origin: germline. Affected: yes.
Comment: In silico analysis supports that this missense variant does not alter protein structure/function; Has not been previously published as pathogenic or benign to our knowledge

Ambry Genetics
Classification: Uncertain significance for Inborn genetic diseases. Last evaluated: 2021-10-26. Review status: criteria provided, single submitter. Criteria: Ambry Variant Classification Scheme 2023. Collection method: clinical testing. Allele origin: germline.

NM_001368882.1(COL13A1):c.289G>T (p.Asp97Tyr)

Gene: COL13A1 (collagen type XIII alpha 1 chain; plus strand). Cytogenetic location: 10q22.1.
Variant type: single nucleotide variant.
Coding change: c.289G>T on transcript NM_001368882.1 (MANE Select); coding-DNA position 289, G replaced by T.
Protein change: p.Asp97Tyr; replaces aspartic acid 97 with tyrosine.
Molecular consequence: missense variant. On other transcripts: 5 prime UTR variant (1).
Genome position (GRCh38, 1-based): chr10:69,802,712, G>T. VCF-style: chr10-69802712-G-T. GRCh37 (hg19) VCF-style: chr10-71562468-G-T.
Other names: c.289G>T, p.Asp97Tyr (NM_001130103.2, NM_001320951.2, NM_001368883.1 and 11 more transcripts); c.-365G>T (NM_001368886.1); c.289G>T (NM_001130103.1); short protein forms D97Y.
Identifiers: ClinVar variation 1582318 (VCV001582318.10), dbSNP rs200138483, ClinGen allele CA5534019.